The following is an entry in ClinVar:

ClinVar aggregate classification (germline): Likely benign. Review status: criteria provided, multiple submitters, no conflicts (2 of 4 stars). 2 submissions from 2 submitters: Likely benign (2). Last evaluated 2024-04-16.

Conditions:
RYR1-related disorder. Also called: RYR1-related condition; RYR1-related disorders. Identifiers: MedGen CN239331.
Malignant hyperthermia, susceptibility to, 1 (MHS1). Also called: Malignant hyperthermia suceptibility 1; RYR1-Related Malignant Hyperthermia Susceptibility; Anesthesia related hyperthermia; Malignant hyperpyrexia; Fulminating hyperpyrexia; Pharmacogenic myopathy. Identifiers: Orphanet 423, MedGen C2930980, MONDO:0007783, OMIM 145600.

Allele frequency attached by ClinVar (database versions not stated): TOPMed below 0.00001; ExAC 0.00001; gnomAD 0.00001; gnomAD exomes 0.00001.
gnomAD v4.1: 9 of 1,613,432 alleles (0.00056%); highest among the groups gnomAD compares: Admixed American, 0.0017%; no homozygotes.

Submissions (2):

All of Us Research Program, National Institutes of Health
Classification: Likely benign for Malignant hyperthermia, susceptibility to, 1. Last evaluated: 2024-04-16. Review status: criteria provided, single submitter. Criteria: ACMG Guidelines, 2015. Collection method: clinical testing. Allele origin: germline. Inheritance: Autosomal dominant inheritance. Observed: 2 variant alleles, 2 heterozygotes.
Comment: This study involves interpretation of variants in research participants for the purpose of population health screening. Participant phenotype was not available at the time of variant classification. Additional details can be found in publication PMID: 35346344, PMCID: PMC8962531

Labcorp Genetics (formerly Invitae), Labcorp
Classification: Likely benign for RYR1-related disorder. Last evaluated: 2024-01-09. Review status: criteria provided, single submitter. Criteria: Invitae Variant Classification Sherloc (09022015). Collection method: clinical testing. Allele origin: germline.

NM_000540.3(RYR1):c.2946A>G (p.Thr982=)

Gene: RYR1 (ryanodine receptor 1; plus strand). Cytogenetic location: 19q13.2.
Variant type: single nucleotide variant.
Coding change: c.2946A>G on transcript NM_000540.3 (MANE Select); coding-DNA position 2946, A replaced by G.
Protein change: p.Thr982=; no amino-acid change (threonine 982 retained).
Molecular consequence: synonymous variant.
Genome position (GRCh38, 1-based): chr19:38,466,166, A>G. VCF-style: chr19-38466166-A-G. GRCh37 (hg19) VCF-style: chr19-38956806-A-G.
Other names: c.2946A>G, p.Thr982= (NM_001042723.2).
Identifiers: ClinVar variation 762221 (VCV000762221.10), dbSNP rs774087940, ClinGen allele CA064247.